The following is an entry in ClinVar:

NM_152564.5(VPS13B):c.9742+2dup

Gene: VPS13B (vacuolar protein sorting 13 homolog B; plus strand). Cytogenetic location: 8q22.2.
Variant type: Duplication.
Coding change: c.9742+2dup on transcript NM_152564.5 (MANE Select); the canonical splice donor site of the intron after coding-DNA position 9742, one base duplicated (T; older notation c.9742+2dupT).
Molecular consequence: splice donor variant.
Genome position (GRCh38, 1-based): chr8:99,835,326, T duplicated. VCF-style (leftmost placement, unchanged base first): chr8-99835325-G-GT. GRCh37 (hg19) VCF-style: chr8-100847553-G-GT.
Other names: c.9817+2dup (NM_017890.5); c.9742+2dupT (NM_152564.4).
Identifiers: ClinVar variation 1426784 (VCV001426784.6), dbSNP rs770968105, ClinGen allele CA4824769.

ClinVar aggregate classification (germline): Uncertain significance. Review status: criteria provided, multiple submitters, no conflicts (2 of 4 stars). 4 submissions from 4 submitters: Uncertain significance (3). 1 of the submissions does not count toward it. Last evaluated 2022-02-14.

Conditions:
VPS13B-related disorder. Also called: VPS13B-related condition.
Cohen syndrome (COH1). Also called: Cutis verticis gyrata, retinitis pigmentosa, and sensorineural deafness; PEPPER SYNDROME. Identifiers: Orphanet 193, MedGen C0265223, MONDO:0008999, OMIM 216550.

Allele frequency attached by ClinVar (database versions not stated): gnomAD exomes 0.00001 and 0.00002; TOPMed 0.00001; gnomAD 0.00002; ExAC 0.00003.

Submissions (4):

Fulgent Genetics
Classification: Uncertain significance for Cohen syndrome. Last evaluated: 2022-02-14. Review status: criteria provided, single submitter. Criteria: ACMG Guidelines, 2015. Collection method: clinical testing. Allele origin: unknown.

Labcorp Genetics (formerly Invitae), Labcorp
Classification: Uncertain significance for Cohen syndrome. Last evaluated: 2021-09-15. Review status: criteria provided, single submitter. Criteria: Invitae Variant Classification Sherloc (09022015). Collection method: clinical testing. Allele origin: germline.
Comment: This sequence change falls in intron 53 of the VPS13B gene. It does not directly change the encoded amino acid sequence of the VPS13B protein. It affects a nucleotide within the consensus splice site of the intron. This variant is present in population databases (rs770968105, ExAC 0.006%). This variant has not been reported in the literature in individuals affected with VPS13B-related conditions. Variants that disrupt the consensus splice site are a relatively common cause of aberrant splicing (PMID: 17576681, 9536098). Algorithms developed to predict the effect of sequence changes on RNA splicing suggest that this variant may disrupt the consensus splice site. In summary, the available evidence is currently insufficient to determine the role of this variant in disease. Therefore, it has been classified as a Variant of Uncertain Significance.

Blueprint Genetics
Classification: Uncertain significance. Last evaluated: 2018-06-14. Review status: criteria provided, single submitter. Criteria: ACMG Guidelines, 2015. Collection method: clinical testing. Allele origin: germline.

PreventionGenetics, part of Exact Sciences
Classification: Uncertain significance for VPS13B-related condition. Last evaluated: 2024-04-09. Review status: no assertion criteria provided. Collection method: clinical testing. Allele origin: germline. Not counted in ClinVar's aggregate classification.
Comment: The VPS13B c.9742+2dupT variant is predicted to result in an intronic duplication. To our knowledge, this variant has not been reported in the literature. This variant is reported in 0.0047% of alleles in individuals of European (Non-Finnish) descent in gnomAD. Although we suspect that this variant may be pathogenic, at this time, the clinical significance of this variant is uncertain due to the absence of conclusive functional and genetic evidence.

Literature cited by the submitters: PubMed 17576681 (cited by Labcorp Genetics (formerly Invitae), Labcorp); PubMed 9536098 (cited by Labcorp Genetics (formerly Invitae), Labcorp).